The following is an entry in ClinVar:

NM_002334.4(LRP4):c.4928C>G (p.Pro1643Arg)

Genes: LRP4 (LDL receptor related protein 4; minus strand), LRP4-AS1 (LRP4 antisense RNA 1; plus strand). Cytogenetic location: 11p11.2.
Variant type: single nucleotide variant.
Coding change: c.4928C>G on transcript NM_002334.4 (MANE Select); coding-DNA position 4928, C replaced by G.
Protein change: p.Pro1643Arg; replaces proline 1643 with arginine.
Molecular consequence: missense variant.
Genome position (GRCh38, 1-based): chr11:46,868,623, G>C on the plus strand (C>G on the coding strand, the complement: LRP4 is on the minus strand). VCF-style: chr11-46868623-G-C. GRCh37 (hg19) VCF-style: chr11-46890174-G-C.
Other names: short protein forms P1643R.
Identifiers: ClinVar variation 646002 (VCV000646002.7), dbSNP rs767372563, ClinGen allele CA5969204.

ClinVar aggregate classification (germline): Uncertain significance (1 of 4 stars; one submission).

Conditions:
Cenani-Lenz syndactyly syndrome. Also called: CENANI SYNDACTYLISM; SYNDACTYLY, TYPE VII. Identifiers: Orphanet 3258, MedGen C1859309, MONDO:0008931, OMIM 212780.
Sclerosteosis 2 (SOST2). Identifiers: Orphanet 3152, MedGen C3280402, MONDO:0013679, OMIM 614305.
Congenital myasthenic syndrome 17. Identifiers: Orphanet 590, MedGen C4225377, MONDO:0014578, OMIM 616304.

Allele frequency attached by ClinVar (database versions not stated): gnomAD exomes below 0.00001; ExAC 0.00001; TOPMed 0.00002.

Submission:

Labcorp Genetics (formerly Invitae), Labcorp
Classification: Uncertain significance for Cenani-Lenz syndactyly syndrome; Sclerosteosis 2; Congenital myasthenic syndrome 17. Last evaluated: 2018-12-05. Review status: criteria provided, single submitter. Criteria: Invitae Variant Classification Sherloc (09022015). Collection method: clinical testing. Allele origin: germline.
Comment: This sequence change replaces proline with arginine at codon 1643 of the LRP4 protein (p.Pro1643Arg). The proline residue is highly conserved and there is a moderate physicochemical difference between proline and arginine. This variant is present in population databases (rs767372563, ExAC 0.001%). This variant has not been reported in the literature in individuals with LRP4-related conditions. Algorithms developed to predict the effect of missense changes on protein structure and function output the following: SIFT: "Tolerated"; PolyPhen-2: "Benign"; Align-GVGD: "Class C0". The arginine amino acid residue is found in multiple mammalian species, suggesting that this missense change does not adversely affect protein function. These predictions have not been confirmed by published functional studies and their clinical significance is uncertain. In summary, the available evidence is currently insufficient to determine the role of this variant in disease. Therefore, it has been classified as a Variant of Uncertain Significance.